The following is an entry in ClinVar:

ClinVar aggregate classification (germline): Uncertain significance (1 of 4 stars; one submission).

Conditions:
Combined oxidative phosphorylation deficiency 44. Also called: FASTKD2-Related Combined Oxidative Phosphorylation Deficiency. Identifiers: MedGen C5394293, MONDO:0030020, OMIM 618855.

Submission:

Laboratorio de Genetica e Diagnostico Molecular, Hospital Israelita Albert Einstein
Classification: Uncertain significance for Combined oxidative phosphorylation deficiency 44. Last evaluated: 2021-11-27. Review status: criteria provided, single submitter. Criteria: ACMG Guidelines, 2015. Collection method: clinical testing. Allele origin: germline. Affected: yes.
Comment: ACMG classification criteria: PM2 moderate

NM_001136193.2(FASTKD2):c.*3673G>A

Gene: FASTKD2 (FAST kinase domains 2; plus strand). Cytogenetic location: 2q33.3.
Variant type: single nucleotide variant.
Coding change: c.*3673G>A on transcript NM_001136193.2 (MANE Select); 3673 bases downstream of the stop codon, G replaced by A.
Molecular consequence: 3 prime UTR variant.
Genome position (GRCh38, 1-based): chr2:206,795,475, G>A. VCF-style: chr2-206795475-G-A. GRCh37 (hg19) VCF-style: chr2-207660199-G-A.
Other names: c.*3673G>A (NM_001136194.2, NM_014929.4).
Identifiers: ClinVar variation 1683542 (VCV001683542.2), dbSNP rs956286568, ClinGen allele CA63735394.
Genomic context (GRCh38, chr2:206,795,475, plus strand): 5'-GCAGAAACAGGGTTTCACCATGTTAGCCAGGATGGTCTCGATCTCCTGACCTTGCGATCT[G>A]CCCGCCTTTGGCCTTCCAAAGTGCTGGGATTATAGGCGTGAGCCACCACCCCCGGTCCAA-3'